The following is an entry in ClinVar:

ClinVar aggregate classification (germline): Uncertain significance. Review status: criteria provided, multiple submitters, no conflicts (2 of 4 stars). 2 submissions from 2 submitters: Uncertain significance (2). Last evaluated 2024-10-17.

Conditions:
Congenital muscular dystrophy due to integrin alpha-7 deficiency. Also called: MYOPATHY, CONGENITAL, DUE TO INTEGRIN ALPHA-7 DEFICIENCY; Congenital muscular dystrophy with integrin alpha-7 deficiency; Muscular dystrophy, congenital, due to ITGA7 deficiency. Identifiers: Orphanet 34520, MedGen C2750786, MONDO:0013177, OMIM 613204.

Allele frequency attached by ClinVar (database versions not stated): ExAC 0.00001; gnomAD exomes 0.00001 and 0.00002; gnomAD 0.00002; TOPMed 0.00002.

Submissions (2):

Labcorp Genetics (formerly Invitae), Labcorp
Classification: Uncertain significance for Congenital muscular dystrophy due to integrin alpha-7 deficiency. Last evaluated: 2024-10-17. Review status: criteria provided, single submitter. Criteria: Invitae Variant Classification Sherloc (09022015). Collection method: clinical testing. Allele origin: germline.
Comment: This sequence change replaces arginine, which is basic and polar, with tryptophan, which is neutral and slightly polar, at codon 914 of the ITGA7 protein (p.Arg914Trp). This variant is present in population databases (rs754109651, gnomAD 0.003%). This missense change has been observed in individual(s) with limb-girdle muscular dystrophy (PMID: 27854218). This variant is also known as p.Arg918Trp. ClinVar contains an entry for this variant (Variation ID: 242417). An algorithm developed to predict the effect of missense changes on protein structure and function (PolyPhen-2) suggests that this variant is likely to be disruptive. In summary, the available evidence is currently insufficient to determine the role of this variant in disease. Therefore, it has been classified as a Variant of Uncertain Significance.

GeneDx
Classification: Uncertain significance. Last evaluated: 2024-04-12. Review status: criteria provided, single submitter. Criteria: GeneDx Variant Classification Process June 2021. Collection method: clinical testing. Allele origin: germline. Affected: yes.
Comment: Reported in a patient referred for genetic testing for limb girdle muscular dystrophy (PMID: 27854218); In silico analysis supports that this missense variant has a deleterious effect on protein structure/function; This variant is associated with the following publications: (PMID: 27854218)

Literature cited by the submitters: PubMed 27854218 (cited by Labcorp Genetics (formerly Invitae), Labcorp).

NM_002206.3(ITGA7):c.2740C>T (p.Arg914Trp)

Gene: ITGA7 (integrin subunit alpha 7; minus strand). Cytogenetic location: 12q13.2.
Variant type: single nucleotide variant.
Coding change: c.2740C>T on transcript NM_002206.3 (MANE Select); coding-DNA position 2740, C replaced by T.
Protein change: p.Arg914Trp; replaces arginine 914 with tryptophan.
Molecular consequence: missense variant.
Genome position (GRCh38, 1-based): chr12:55,692,948, G>A on the plus strand (C>T on the coding strand, the complement: ITGA7 is on the minus strand). VCF-style: chr12-55692948-G-A. GRCh37 (hg19) VCF-style: chr12-56086732-G-A.
Other names: c.2752C>T, p.Arg918Trp (NM_001144996.2); c.2461C>T, p.Arg821Trp (NM_001144997.2); c.2413C>T, p.Arg805Trp (NM_001367993.1); c.1396C>T, p.Arg466Trp (NM_001367994.1); c.2722C>T, p.Arg908Trp (NM_001374465.1); c.2872C>T, p.Arg958Trp (NM_001410977.1); c.2734C>T, p.Arg912Trp (NM_001414029.1); c.2665C>T, p.Arg889Trp (NM_001414030.1); and 5 more; short protein forms R914W, R918W, R821W, R466W, R805W, R908W, R958W, R874W.
Identifiers: ClinVar variation 242417 (VCV000242417.11), dbSNP rs754109651, ClinGen allele CA6615475.